The following is an entry in ClinVar:

NM_000179.3(MSH6):c.2238dup (p.Leu747fs)

Gene: MSH6 (mutS homolog 6; plus strand). Cytogenetic location: 2p16.3.
Variant type: Duplication.
Coding change: c.2238dup on transcript NM_000179.3 (MANE Select); coding-DNA position 2238, one base duplicated (T; older notation c.2238dupT).
Protein change: p.Leu747fs; shifts the reading frame from leucine 747.
Molecular consequence: frameshift variant.
Genome position (GRCh38, 1-based): chr2:47,800,221, T duplicated; the last of 5 consecutive T bases (chr2:47,800,217-47,800,221); duplicating any one gives the same sequence. VCF-style (leftmost placement, unchanged base first): chr2-47800216-A-AT. GRCh37 (hg19) VCF-style: chr2-48027355-A-AT.
Other names: c.2238dupT (NM_000179.2); c.1848dup, p.Leu617fs (NM_001281492.2); c.1332dup, p.Leu445fs (NM_001281493.2, NM_001281494.2); short protein forms L747fs, L445fs, L617fs.
Identifiers: ClinVar variation 455182 (VCV000455182.17), dbSNP rs1553413599, ClinGen allele CA658655805.

ClinVar aggregate classification (germline): Pathogenic. Review status: criteria provided, multiple submitters, no conflicts (2 of 4 stars). 5 submissions from 5 submitters: Pathogenic (5). Last evaluated 2024-07-10.

Conditions:
Hereditary cancer-predisposing syndrome. Also called: Hereditary Cancer Syndrome; Hereditary neoplastic syndrome; Neoplastic Syndromes, Hereditary; Tumor predisposition. Identifiers: Orphanet 140162, MedGen C0027672, MeSH D009386, MONDO:0015356.
Hereditary nonpolyposis colorectal neoplasms. Identifiers: MedGen C0009405, MeSH D003123.
Lynch syndrome. Identifiers: Orphanet 144, MedGen C4552100, MONDO:0005835. Disease mechanism: loss of function.
Lynch syndrome 5 (LYNCH5). Also called: Hereditary non-polyposis colorectal cancer, type 5; Colorectal cancer, hereditary nonpolyposis, type 5. Identifiers: Orphanet 144, MedGen C1833477, MONDO:0013710, OMIM 614350. Disease mechanism: loss of function.

Submissions (5):

All of Us Research Program, National Institutes of Health
Classification: Pathogenic for Lynch syndrome. Last evaluated: 2024-07-10. Review status: criteria provided, single submitter. Criteria: ACMG Guidelines, 2015. Collection method: clinical testing. Allele origin: germline. Inheritance: Autosomal dominant inheritance. Observed: 2 variant alleles, 2 heterozygotes.
Comment: This variant inserts 1 nucleotide in exon 4 of the MSH6 gene, creating a frameshift and premature translation stop signal. This variant is expected to result in an absent or non-functional protein product. This variant has been observed in an individual affected with Constitutional mismatch repair deficiency who also carried the c.2980T>A, p.(Tyr994Asn) variant in MSH6 (PMID: 30013564). This variant has not been identified in the general population by the Genome Aggregation Database (gnomAD). Loss of MSH6 function is a known mechanism of disease. Based on the available evidence, this variant is classified as Pathogenic.

This study involves interpretation of variants in research participants for the purpose of population health screening. Participant phenotype was not available at the time of variant classification. Additional details can be found in publication PMID: 35346344, PMCID: PMC8962531

GeneDx
Classification: Pathogenic. Last evaluated: 2024-05-12. Review status: criteria provided, single submitter. Criteria: GeneDx Variant Classification Process June 2021. Collection method: clinical testing. Allele origin: germline. Affected: yes.
Comment: Observed with a missense MSH6 variant reported to be on the opposite allele (in trans) in a patient with Constitutional Mismatch Repair Deficiency syndrome in the published literature (PMID: 30013564); Frameshift variant predicted to result in protein truncation or nonsense mediated decay in a gene for which loss of function is a known mechanism of disease; Truncating variants in this gene are considered pathogenic by a well-established clinical consortium and/or database; Not observed at significant frequency in large population cohorts (gnomAD); This variant is associated with the following publications: (PMID: 30013564)

Labcorp Genetics (formerly Invitae), Labcorp
Classification: Pathogenic for Hereditary nonpolyposis colorectal neoplasms. Last evaluated: 2024-02-27. Review status: criteria provided, single submitter. Criteria: Invitae Variant Classification Sherloc (09022015). Collection method: clinical testing. Allele origin: germline.
Comment: This sequence change creates a premature translational stop signal (p.Leu747Serfs*9) in the MSH6 gene. It is expected to result in an absent or disrupted protein product. Loss-of-function variants in MSH6 are known to be pathogenic (PMID: 18269114, 24362816). This variant is not present in population databases (gnomAD no frequency). This premature translational stop signal has been observed in individual(s) with constitutional mismatch repair deficiency syndrome (PMID: 30013564). ClinVar contains an entry for this variant (Variation ID: 455182). For these reasons, this variant has been classified as Pathogenic.

Myriad Genetics, Inc.
Classification: Pathogenic for Lynch syndrome 5. Last evaluated: 2023-08-16. Review status: criteria provided, single submitter. Criteria: Myriad Autosomal Dominant, Autosomal Recessive and X-Linked Classification Criteria (2023). Collection method: clinical testing. Allele origin: unknown.
Comment: This variant is considered pathogenic. This variant creates a frameshift predicted to result in premature protein truncation.

Ambry Genetics
Classification: Pathogenic for Hereditary cancer-predisposing syndrome. Last evaluated: 2019-02-08. Review status: criteria provided, single submitter. Criteria: Ambry Variant Classification Scheme 2023. Collection method: clinical testing. Allele origin: germline.
Comment: The c.2238dupT variant, located in coding exon 4 of the MSH6 gene, results from a duplication of T at nucleotide position 2238, causing a translational frameshift with a predicted alternate stop codon (p.L747Sfs*9). In addition to the clinical data presented in the literature, this alteration is expected to result in loss of function by premature protein truncation or nonsense-mediated mRNA decay. As such, this alteration is interpreted as a disease-causing mutation.

Literature cited by the submitters: PubMed 30013564 (cited by 3 submitters); PubMed 18269114 (cited by Labcorp Genetics (formerly Invitae), Labcorp); PubMed 24362816 (cited by Labcorp Genetics (formerly Invitae), Labcorp).